The following is an entry in ClinVar:

NM_015346.4(ZFYVE26):c.2206delinsATGTGTATAAGAGACAGT (p.Ala736fs)

Gene: ZFYVE26 (zinc finger FYVE-type containing 26; minus strand). Cytogenetic location: 14q24.1.
Variant type: Indel.
Coding change: c.2206delinsATGTGTATAAGAGACAGT on transcript NM_015346.4 (MANE Select); coding-DNA position 2206, G replaced by ATGTGTATAAGAGACAGT.
Protein change: p.Ala736fs; shifts the reading frame from alanine 736.
Molecular consequence: frameshift variant.
Genome position (GRCh38, 1-based): chr14:67,798,056, C replaced by ACTGTCTCTTATACACAT on the plus strand (G replaced by ATGTGTATAAGAGACAGT on the coding strand, the reverse complement: ZFYVE26 is on the minus strand). VCF-style: chr14-67798056-C-ACTGTCTCTTATACACAT. GRCh37 (hg19) VCF-style: chr14-68264773-C-ACTGTCTCTTATACACAT.
Other names: short protein forms A736fs.
Identifiers: ClinVar variation 5011543 (VCV005011543.1).
Genomic context (GRCh38, chr14:67,798,056, plus strand): 5'-GTTCCACCCTTCTCTCACCTGAACGATGGTTGCTTGTCACCACCTTGTGTCTCCACTGGG[C>ACTGTCTCTTATACACAT]CTCAGAGACAACCTTGGAAAGTCGATGCAGGCGGCTCTGCAGTCCATCTCTGCTTCCTGA-3'

ClinVar aggregate classification (germline): Pathogenic (1 of 4 stars; one submission).

Conditions:
Hereditary spastic paraplegia 15 (SPG15). Also called: SPASTIC PARAPLEGIA 15, AUTOSOMAL RECESSIVE; KJELLIN SYNDROME; SPASTIC PARAPLEGIA AND RETINAL DEGENERATION. Identifiers: Orphanet 100996, MedGen C1849128, MONDO:0010044, OMIM 270700.

Submission:

Myriad Genetics, Inc.
Classification: Pathogenic for Hereditary spastic paraplegia 15. Last evaluated: 2023-09-03. Review status: criteria provided, single submitter. Criteria: Myriad Autosomal Dominant, Autosomal Recessive and X-Linked Classification Criteria (2023). Collection method: clinical testing. Allele origin: unknown.
Comment: NM_015346.3(ZFYVE26):c.2206del1ins18(A736Mfs*14) is expected to be pathogenic in the context of spastic paraplegia type 15. This variant is predicted to lead to an abnormal or absent protein product due to the creation of a premature termination codon in ZFYVE26, a gene where loss-of-function variants are known to be pathogenic. Please note: this variant was assessed in the context of healthy population screening.